The following is an entry in ClinVar:

NM_003120.3(SPI1):c.632A>C (p.His211Pro)

Gene: SPI1 (Spi-1 proto-oncogene; minus strand). Cytogenetic location: 11p11.2.
Variant type: single nucleotide variant.
Coding change: c.632A>C on transcript NM_003120.3 (MANE Select); coding-DNA position 632, A replaced by C.
Protein change: p.His211Pro; replaces histidine 211 with proline.
Molecular consequence: missense variant.
Genome position (GRCh38, 1-based): chr11:47,355,408, T>G on the plus strand (A>C on the coding strand, the complement: SPI1 is on the minus strand). VCF-style: chr11-47355408-T-G. GRCh37 (hg19) VCF-style: chr11-47376959-T-G.
Other names: c.635A>C, p.His212Pro (NM_001080547.2); short protein forms H212P, H211P.
Identifiers: ClinVar variation 801322 (VCV000801322.4), dbSNP rs2095906547, ClinGen allele CA380344980.

ClinVar aggregate classification (germline): Likely pathogenic. Review status: criteria provided, single submitter (1 of 4 stars). 4 submissions from 3 submitters: Likely pathogenic (1). 3 of the submissions do not count toward it. Last evaluated 2022-06-22.

Conditions:
Agammaglobulinemia. Identifiers: Orphanet 183669, MedGen C0001768, MeSH D000361, MONDO:0015977, HP:0004432.
PU.1-mutated agammaglobulinemia.
Agammaglobulinemia 10, autosomal dominant (AGM10). Also called: AGAMMAGLOBULINEMIA, AUTOSOMAL DOMINANT, DUE TO SPI1 DEFECT. Identifiers: MedGen C5676900, MONDO:0030529, OMIM 619707.

Submissions (4):

SIB Swiss Institute of Bioinformatics
Classification: Likely pathogenic for Agammaglobulinemia 10, autosomal dominant. Last evaluated: 2022-06-22. Review status: criteria provided, single submitter. Criteria: ACMG Guidelines, 2015. Collection method: curation. Allele origin: unknown.
Comment: This variant is interpreted as likely pathogenic for Agammaglobulinemia 10, autosomal dominant. The following ACMG Tag(s) were applied: Absent from controls (or at extremely low frequency if recessive) in Exome Sequencing Project, 1000 Genomes Project, or Exome Aggregation Consortium (PM2); Assumed de novo, but without confirmation of paternity and maternity (PM6); Multiple lines of computational evidence support a deleterious effect on the gene or gene product (PP3); Well-established functional studies show a deleterious effect (PS3).

Neil Romberg Laboratory, Children's Hospital of Philadelphia
Classification: Pathogenic for Agammaglobulinemia. Last evaluated: 2024-08-28. Review status: no assertion criteria provided. Collection method: research. Allele origin: germline. Affected: yes. Not counted in ClinVar's aggregate classification.

OMIM
Classification: Pathogenic for AGAMMAGLOBULINEMIA 10, AUTOSOMAL DOMINANT. Last evaluated: 2022-01-25. Review status: no assertion criteria provided. Collection method: literature only. Allele origin: germline. Not counted in ClinVar's aggregate classification.

Neil Romberg Laboratory, Children's Hospital of Philadelphia
Classification: Pathogenic for PU.1-mutated agammaglobulinemia. Last evaluated: 2019-12-10. Review status: no assertion criteria provided. Collection method: research. Allele origin: de novo. Affected: yes. Not counted in ClinVar's aggregate classification.

Literature cited by the submitters: PubMed 33951726 (cited by SIB Swiss Institute of Bioinformatics and OMIM).